The following is an entry in ClinVar:

ClinVar aggregate classification (germline): Uncertain significance. Review status: criteria provided, single submitter (1 of 4 stars). 2 submissions from 2 submitters: Uncertain significance (1). 1 of the submissions does not count toward it. Last evaluated 2023-12-31.

Conditions:
KIDINS220-related disorder. Also called: KIDINS220-related condition.

Allele frequency attached by ClinVar (database versions not stated): gnomAD exomes below 0.00001 and 0.00001; ExAC 0.00002; TOPMed 0.00007; gnomAD 0.00011; ESP Exome Variant Server 0.00025.
gnomAD v4.1: 23 of 1,610,926 alleles (0.0014%); highest among the groups gnomAD compares: African/African-American, 0.029%; no homozygotes.

Submissions (2):

Labcorp Genetics (formerly Invitae), Labcorp
Classification: Uncertain significance. Last evaluated: 2023-12-31. Review status: criteria provided, single submitter. Criteria: Invitae Variant Classification Sherloc (09022015). Collection method: clinical testing. Allele origin: germline.
Comment: This sequence change replaces phenylalanine, which is neutral and non-polar, with leucine, which is neutral and non-polar, at codon 532 of the KIDINS220 protein (p.Phe532Leu). This variant is present in population databases (rs369544460, gnomAD 0.03%). This variant has not been reported in the literature in individuals affected with KIDINS220-related conditions. ClinVar contains an entry for this variant (Variation ID: 1430994). Algorithms developed to predict the effect of missense changes on protein structure and function output the following: SIFT: "Not Available"; PolyPhen-2: "Benign"; Align-GVGD: "Not Available". The leucine amino acid residue is found in multiple mammalian species, which suggests that this missense change does not adversely affect protein function. In summary, the available evidence is currently insufficient to determine the role of this variant in disease. Therefore, it has been classified as a Variant of Uncertain Significance.

PreventionGenetics, part of Exact Sciences
Classification: Uncertain significance for KIDINS220-related condition. Last evaluated: 2023-12-27. Review status: no assertion criteria provided. Collection method: clinical testing. Allele origin: germline. Not counted in ClinVar's aggregate classification.
Comment: The KIDINS220 c.1594T>C variant is predicted to result in the amino acid substitution p.Phe532Leu. To our knowledge, this variant has not been reported in the literature. This variant is reported in 0.025% of alleles in individuals of African descent in gnomAD. At this time, the clinical significance of this variant is uncertain due to the absence of conclusive functional and genetic evidence.

NM_020738.4(KIDINS220):c.1594T>C (p.Phe532Leu)

Gene: KIDINS220 (kinase D interacting substrate 220; minus strand). Cytogenetic location: 2p25.1.
Variant type: single nucleotide variant.
Coding change: c.1594T>C on transcript NM_020738.4 (MANE Select); coding-DNA position 1594, T replaced by C.
Protein change: p.Phe532Leu; replaces phenylalanine 532 with leucine.
Molecular consequence: missense variant. On other transcripts: non-coding transcript variant (2).
Genome position (GRCh38, 1-based): chr2:8,789,907, A>G on the plus strand (T>C on the coding strand, the complement: KIDINS220 is on the minus strand). VCF-style: chr2-8789907-A-G. GRCh37 (hg19) VCF-style: chr2-8930037-A-G.
Other names: c.1597T>C, p.Phe533Leu (NM_001348729.2, NM_001348731.2, NM_001348734.2 and 3 more transcripts); c.1594T>C, p.Phe532Leu (NM_001348732.2, NM_001348735.2, NM_001348738.2 and 3 more transcripts); c.1468T>C, p.Phe490Leu (NM_001348736.2); c.1594T>C (NM_020738.2); short protein forms F490L, F532L, F533L.
Identifiers: ClinVar variation 1430994 (VCV001430994.8), dbSNP rs369544460, ClinGen allele CA1520152.